The following is an entry in ClinVar:

ClinVar aggregate classification (germline): Conflicting classifications of pathogenicity. Review status: criteria provided, conflicting classifications (1 of 4 stars). 2 submissions from 2 submitters: Uncertain significance (1); Likely benign (1). Last evaluated 2025-08-29.

Allele frequency attached by ClinVar (database versions not stated): gnomAD 0.00005; ESP Exome Variant Server 0.00008.
gnomAD v4.1: 113 of 1,611,354 alleles (0.007%); highest among the groups gnomAD compares: East Asian, 0.045%; no homozygotes.

Submissions (2):

Labcorp Genetics (formerly Invitae), Labcorp
Classification: Uncertain significance. Last evaluated: 2025-08-29. Review status: criteria provided, single submitter. Criteria: Invitae Variant Classification Sherloc (09022015). Collection method: clinical testing. Allele origin: germline.
Comment: This sequence change replaces isoleucine, which is neutral and non-polar, with threonine, which is neutral and polar, at codon 94 of the IL6ST protein (p.Ile94Thr). This variant is present in population databases (rs150561363, gnomAD 0.02%). This variant has not been reported in the literature in individuals affected with IL6ST-related conditions. ClinVar contains an entry for this variant (Variation ID: 1479408). An algorithm developed to predict the effect of missense changes on protein structure and function outputs the following: PolyPhen-2: "Benign". The threonine amino acid residue is found in multiple mammalian species, which suggests that this missense change does not adversely affect protein function. In summary, the available evidence is currently insufficient to determine the role of this variant in disease. Therefore, it has been classified as a Variant of Uncertain Significance.

Blueprint Genetics
Classification: Likely benign. Last evaluated: 2024-10-14. Review status: criteria provided, single submitter. Criteria: ACMG Guidelines, 2015. Collection method: clinical testing. Allele origin: germline.

NM_002184.4(IL6ST):c.281T>C (p.Ile94Thr)

Gene: IL6ST (interleukin 6 cytokine family signal transducer; minus strand). Cytogenetic location: 5q11.2.
Variant type: single nucleotide variant.
Coding change: c.281T>C on transcript NM_002184.4 (MANE Select); coding-DNA position 281, T replaced by C.
Protein change: p.Ile94Thr; replaces isoleucine 94 with threonine.
Molecular consequence: missense variant. On other transcripts: 5 prime UTR variant (3), non-coding transcript variant (2), intron variant (1).
Genome position (GRCh38, 1-based): chr5:55,969,639, A>G on the plus strand (T>C on the coding strand, the complement: IL6ST is on the minus strand). VCF-style: chr5-55969639-A-G. GRCh37 (hg19) VCF-style: chr5-55265467-A-G.
Other names: c.281T>C, p.Ile94Thr (NM_001190981.2, NM_001364275.2, NM_175767.3); c.-512T>C (NM_001364277.2, NM_001364279.2); c.-502T>C (NM_001364278.2); c.160+121T>C (NM_001364276.2); short protein forms I94T.
Identifiers: ClinVar variation 1479408 (VCV001479408.9), dbSNP rs150561363, ClinGen allele CA3271738.
Genomic context (GRCh38, chr5:55,969,639, plus strand): 5'-TTCTGTTCAAGCTGTCCGAATGTAAGAATGTTGCAAGTGAGCTGAATATTTAATGAAGCT[A>G]TATCTGTAAAGGTGACACTGGATGCTGTTCTGTTTATGATAGTATATTGCTCCTTAGGAA-3'
Protein context (NP_002175.2, residues 84-104): RTASSVTFTD[Ile94Thr]ASLNIQLTCN